The following is an entry in ClinVar:

NM_000126.4(ETFA):c.81G>C (p.Glu27Asp)

Gene: ETFA (electron transfer flavoprotein subunit alpha; minus strand). Cytogenetic location: 15q24.2.
Variant type: single nucleotide variant.
Coding change: c.81G>C on transcript NM_000126.4 (MANE Select); coding-DNA position 81, G replaced by C.
Protein change: p.Glu27Asp; replaces glutamic acid 27 with aspartic acid.
Molecular consequence: missense variant. On other transcripts: intron variant (1).
Genome position (GRCh38, 1-based): chr15:76,295,696, C>G on the plus strand (G>C on the coding strand, the complement: ETFA is on the minus strand). VCF-style: chr15-76295696-C-G. GRCh37 (hg19) VCF-style: chr15-76588037-C-G.
Other names: c.40-2996G>C (NM_001127716.2); short protein forms E27D.
Identifiers: ClinVar variation 653627 (VCV000653627.7), dbSNP rs772068605, ClinGen allele CA393517995.
Genomic context (GRCh38, chr15:76,295,696, plus strand): 5'-AAGGCGTGTGGCTGCAGTAATGGTATTTAAAGTAATGGGTGCTAGGGAATCATTTGCATG[C>G]TCAGCTATTACCAGGGTACTCTGAAATCGTAGCAATGAGGCCTAAAAAGAGCAAAAAGGA-3'
Protein context (NP_000117.1, residues 17-37): LRFQSTLVIA[Glu27Asp]HANDSLAPIT

ClinVar aggregate classification (germline): Uncertain significance (1 of 4 stars; one submission).

Conditions:
Multiple acyl-CoA dehydrogenase deficiency (MADD). Also called: Glutaric acidemia type II; GA 2; Glutaric Acidemia type 2; ETHYLMALONIC-ADIPICACIDURIA; GA II; Glutaric aciduria, type 2. Identifiers: Orphanet 26791, MedGen C0268596, MONDO:0009282, OMIM 231680.

Allele frequency attached by ClinVar (database versions not stated): gnomAD 0.00001.
gnomAD v4.1: 11 of 1,612,222 alleles (0.00068%); highest among the groups gnomAD compares: Non-Finnish European, 0.00093%; no homozygotes.

Submission:

Labcorp Genetics (formerly Invitae), Labcorp
Classification: Uncertain significance for Multiple acyl-CoA dehydrogenase deficiency. Last evaluated: 2025-04-03. Review status: criteria provided, single submitter. Criteria: Invitae Variant Classification Sherloc (09022015). Collection method: clinical testing. Allele origin: germline.
Comment: This sequence change replaces glutamic acid, which is acidic and polar, with aspartic acid, which is acidic and polar, at codon 27 of the ETFA protein (p.Glu27Asp). This variant is present in population databases (no rsID available, gnomAD 0.003%). This variant has not been reported in the literature in individuals affected with ETFA-related conditions. ClinVar contains an entry for this variant (Variation ID: 653627). Invitae Evidence Modeling of protein sequence and biophysical properties (such as structural, functional, and spatial information, amino acid conservation, physicochemical variation, residue mobility, and thermodynamic stability) indicates that this missense variant is not expected to disrupt ETFA protein function with a negative predictive value of 80%. In summary, the available evidence is currently insufficient to determine the role of this variant in disease. Therefore, it has been classified as a Variant of Uncertain Significance.